The following is an entry in ClinVar:

ClinVar aggregate classification (germline): Pathogenic (1 of 4 stars; one submission).

Submission:

CeGaT Center for Human Genetics Tuebingen
Classification: Pathogenic. Last evaluated: 2023-04-01. Review status: criteria provided, single submitter. Criteria: CeGaT Center For Human Genetics Tuebingen Variant Classification Criteria Version 2. Collection method: clinical testing. Allele origin: germline. Affected: yes. Observed: 1 variant allele.
Comment: NF1: PVS1, PM2

NM_001042492.3(NF1):c.249del (p.Gln83fs)

Gene: NF1 (neurofibromin 1; plus strand). Cytogenetic location: 17q11.2.
Variant type: Deletion.
Coding change: c.249del on transcript NM_001042492.3 (MANE Select); coding-DNA position 249, one base deleted (G; older notation c.249delG).
Protein change: p.Gln83fs; shifts the reading frame from glutamine 83.
Molecular consequence: frameshift variant.
Genome position (GRCh38, 1-based): chr17:31,159,054, G deleted. VCF-style (leftmost placement, unchanged base first): chr17-31159053-AG-A. GRCh37 (hg19) VCF-style: chr17-29486071-AG-A.
Other names: c.249delG, p.Gln83Hisfs (NM_000267.4); c.249del, p.Gln83fs (NM_001128147.3); short protein forms Q83fs.
Identifiers: ClinVar variation 2570982 (VCV002570982.27), dbSNP rs2544690643, ClinGen allele CA2580614048.